The following is an entry in ClinVar:

NM_019066.5(MAGEL2):c.1093C>T (p.Pro365Ser)

Gene: MAGEL2 (MAGE family member L2; minus strand). Cytogenetic location: 15q11.2.
Variant type: single nucleotide variant.
Coding change: c.1093C>T on transcript NM_019066.5 (MANE Select); coding-DNA position 1093, C replaced by T.
Protein change: p.Pro365Ser; replaces proline 365 with serine.
Molecular consequence: missense variant.
Genome position (GRCh38, 1-based): chr15:23,646,650, G>A on the plus strand (C>T on the coding strand, the complement: MAGEL2 is on the minus strand). VCF-style: chr15-23646650-G-A. GRCh37 (hg19) VCF-style: chr15-23891797-G-A.
Other names: short protein forms P365S.
Identifiers: ClinVar variation 3391745 (VCV003391745.1).

ClinVar aggregate classification (germline): Uncertain significance (1 of 4 stars; one submission).

Submission:

GeneDx
Classification: Uncertain significance. Last evaluated: 2024-06-18. Review status: criteria provided, single submitter. Criteria: GeneDx Variant Classification Process June 2021. Collection method: clinical testing. Allele origin: germline. Affected: yes.
Comment: Not observed at significant frequency in large population cohorts (gnomAD); Has not been previously published as pathogenic or benign to our knowledge; In-silico analysis is inconclusive as to whether the variant impacts protein structure/function. In the absence of functional studies, the actual effect of this sequence change is unknown